The following is an entry in ClinVar:

ClinVar aggregate classification (germline): Conflicting classifications of pathogenicity. Review status: criteria provided, conflicting classifications (1 of 4 stars). 4 submissions from 4 submitters: Uncertain significance (3); Likely benign (1). Last evaluated 2025-06-11.

Conditions:
Familial hypobetalipoproteinemia 1. Also called: APOB-Related Familial Hypobetalipoproteinemia; Hypobetalipoproteinemia, normotriglyceridemic; Acanthocytosis with hypobetalipoproteinemia. Identifiers: MedGen C4551990, MONDO:0014252, OMIM 615558.
Hypercholesterolemia, autosomal dominant, type B (FHCL2). Also called: APOLIPOPROTEIN B-100, FAMILIAL DEFECTIVE; APOLIPOPROTEIN B-100, FAMILIAL LIGAND-DEFECTIVE; HYPERCHOLESTEROLEMIA, FAMILIAL, DUE TO LIGAND-DEFECTIVE APOLIPOPROTEIN B; Familial Hypercholesterolemia Type B; Familial hypercholesterolemia 2; APOB-Related Familial Hypercholesterolemia, Autosomal Dominant. Identifiers: MedGen C1704417, MONDO:0007751, OMIM 144010.
Cardiovascular phenotype. Identifiers: MedGen CN230736.

Allele frequency attached by ClinVar (database versions not stated): ExAC 0.00001; gnomAD 0.00001; gnomAD exomes 0.00001.
gnomAD v4.1: 20 of 1,613,868 alleles (0.0012%); highest among the groups gnomAD compares: Non-Finnish European, 0.0017%; no homozygotes.

Submissions (4):

GeneDx
Classification: Uncertain significance. Last evaluated: 2025-06-11. Review status: criteria provided, single submitter. Criteria: GeneDx Variant Classification Process June 2021. Collection method: clinical testing. Allele origin: germline. Affected: yes.
Comment: Not observed at significant frequency in large population cohorts (gnomAD); In silico analysis supports that this missense variant has a deleterious effect on protein structure/function; Has not been previously published as pathogenic or benign to our knowledge; Also known as p.(S1374P)

Labcorp Genetics (formerly Invitae), Labcorp
Classification: Likely benign for Familial hypobetalipoproteinemia 1; Hypercholesterolemia, autosomal dominant, type B. Last evaluated: 2023-09-15. Review status: criteria provided, single submitter. Criteria: Invitae Variant Classification Sherloc (09022015). Collection method: clinical testing. Allele origin: germline.

Ambry Genetics
Classification: Uncertain significance for Cardiovascular phenotype. Last evaluated: 2023-03-18. Review status: criteria provided, single submitter. Criteria: Ambry Variant Classification Scheme 2023. Collection method: clinical testing. Allele origin: germline.
Comment: The p.S1401P variant (also known as c.4201T>C), located in coding exon 25 of the APOB gene, results from a T to C substitution at nucleotide position 4201. The serine at codon 1401 is replaced by proline, an amino acid with similar properties. This amino acid position is conserved. In addition, the in silico prediction for this alteration is inconclusive. Since supporting evidence is limited at this time, the clinical significance of this alteration remains unclear.

Quest Diagnostics Nichols Institute San Juan Capistrano
Classification: Uncertain significance. Last evaluated: 2023-01-19. Review status: criteria provided, single submitter. Criteria: Quest Diagnostics criteria. Collection method: clinical testing. Allele origin: unknown.
Comment: This variant has not been reported in the published literature. The frequency of this variant in the general population, 0.00062 (3/4824 chromosomes), is uninformative in assessment of its pathogenicity. Analysis of this variant using bioinformatics tools for the prediction of the effect of amino acid changes on protein structure and function yielded predictions that this variant is damaging. Based on the available information, we are unable to determine the clinical significance of this variant.

NM_000384.3(APOB):c.4201T>C (p.Ser1401Pro)

Gene: APOB (apolipoprotein B; minus strand). Cytogenetic location: 2p24.1.
Variant type: single nucleotide variant.
Coding change: c.4201T>C on transcript NM_000384.3 (MANE Select); coding-DNA position 4201, T replaced by C.
Protein change: p.Ser1401Pro; replaces serine 1401 with proline.
Molecular consequence: missense variant.
Genome position (GRCh38, 1-based): chr2:21,013,175, A>G on the plus strand (T>C on the coding strand, the complement: APOB is on the minus strand). VCF-style: chr2-21013175-A-G. GRCh37 (hg19) VCF-style: chr2-21236047-A-G.
Other names: short protein forms S1401P.
Identifiers: ClinVar variation 2565832 (VCV002565832.7), dbSNP rs781141343, ClinGen allele CA060650.